The following is an entry in ClinVar:

ClinVar aggregate classification (germline): Uncertain significance (1 of 4 stars; one submission).

Conditions:
Breast-ovarian cancer, familial, susceptibility to, 4. Identifiers: Orphanet 145, MedGen C3280345, MONDO:0013669, OMIM 614291.

Submission:

Labcorp Genetics (formerly Invitae), Labcorp
Classification: Uncertain significance for Breast-ovarian cancer, familial, susceptibility to, 4. Last evaluated: 2023-02-14. Review status: criteria provided, single submitter. Criteria: Invitae Variant Classification Sherloc (09022015). Collection method: clinical testing. Allele origin: germline.
Comment: In summary, the available evidence is currently insufficient to determine the role of this variant in disease. Therefore, it has been classified as a Variant of Uncertain Significance. Studies have shown this variant is associated with multiple RNA products, but one or more of the resulting mRNA isoform(s) may be naturally occurring (Invitae). This variant has not been reported in the literature in individuals affected with RAD51D-related conditions. This variant is not present in population databases (gnomAD no frequency). This variant results in the deletion of part of exon 3 (c.145-7_149del) of the RAD51D gene. It is expected to disrupt RNA splicing. Variants that disrupt the donor or acceptor splice site typically lead to a loss of protein function (PMID: 16199547), and loss-of-function variants in RAD51D are known to be pathogenic (PMID: 21822267).

Literature cited by the submitters: PubMed 16199547; PubMed 21822267.

NM_002878.4(RAD51D):c.145-7_149del

Genes: RAD51L3-RFFL (RAD51L3-RFFL readthrough; minus strand), RAD51D (RAD51 paralog D; minus strand). Cytogenetic location: 17q12.
Variant type: Deletion.
Coding change: c.145-7_149del on transcript NM_002878.4 (MANE Select); 7 bases into the intron before coding-DNA position 145 through coding-DNA position 149, 12 bases deleted (TTGGCAGGCCCT).
Molecular consequence: splice acceptor variant. On other transcripts: intron variant (2).
Genome position (GRCh38, 1-based): chr17:35,118,615-35,118,626, AGGGCCTGCCAA deleted on the plus strand (TTGGCAGGCCCT on the coding strand, the reverse complement: RAD51D is on the minus strand); deleting any 12 consecutive bases within chr17:35,118,615-35,118,632 gives the same sequence; the c. name uses the placement nearest the transcript's 3' end. VCF-style (leftmost placement, unchanged base first): chr17-35118614-CAGGGCCTGCCAA-C. GRCh37 (hg19) VCF-style: chr17-33445633-CAGGGCCTGCCAA-C.
Other names: c.144+485_144+496del (NM_133629.3, NM_001142571.2).
Identifiers: ClinVar variation 2837215 (VCV002837215.3), dbSNP rs2509182593, ClinGen allele CA2739267495.